The following is an entry in ClinVar:

ClinVar aggregate classification (germline): Uncertain significance (1 of 4 stars; one submission).

Conditions:
Inflammatory bowel disease 28. Also called: Inflammatory bowel disease 28, early onset, autosomal recessive. Identifiers: Orphanet 238569, MedGen C2751053, MONDO:0013153, OMIM 613148.

Submission:

Labcorp Genetics (formerly Invitae), Labcorp
Classification: Uncertain significance for Inflammatory bowel disease 28. Last evaluated: 2022-03-29. Review status: criteria provided, single submitter. Criteria: Invitae Variant Classification Sherloc (09022015). Collection method: clinical testing. Allele origin: germline.
Comment: In summary, the available evidence is currently insufficient to determine the role of this variant in disease. Therefore, it has been classified as a Variant of Uncertain Significance. Algorithms developed to predict the effect of missense changes on protein structure and function are either unavailable or do not agree on the potential impact of this missense change (SIFT: "Deleterious"; PolyPhen-2: "Benign"; Align-GVGD: "Class C0"). This variant has not been reported in the literature in individuals affected with IL10RA-related conditions. This variant is not present in population databases (gnomAD no frequency). This sequence change replaces asparagine, which is neutral and polar, with isoleucine, which is neutral and non-polar, at codon 562 of the IL10RA protein (p.Asn562Ile).

NM_001558.4(IL10RA):c.1685A>T (p.Asn562Ile)

Gene: IL10RA (interleukin 10 receptor subunit alpha; plus strand). Cytogenetic location: 11q23.3.
Variant type: single nucleotide variant.
Coding change: c.1685A>T on transcript NM_001558.4 (MANE Select); coding-DNA position 1685, A replaced by T.
Protein change: p.Asn562Ile; replaces asparagine 562 with isoleucine.
Molecular consequence: missense variant. On other transcripts: non-coding transcript variant (1).
Genome position (GRCh38, 1-based): chr11:117,999,589, A>T. VCF-style: chr11-117999589-A-T. GRCh37 (hg19) VCF-style: chr11-117870304-A-T.
Other names: short protein forms N562I.
Identifiers: ClinVar variation 2417779 (VCV002417779.6), dbSNP rs2496794638, ClinGen allele CA382782822.